The following is an entry in ClinVar:

ClinVar aggregate classification (germline): Likely benign. Review status: criteria provided, multiple submitters, no conflicts (2 of 4 stars). 2 submissions from 2 submitters: Likely benign (2). Last evaluated 2026-06-23.

Conditions:
ABCA4-related disorder. Also called: ABCA4-related disorders; ABCA4-related condition. Identifiers: MedGen CN239167.

gnomAD v4.1: 34 of 1,567,138 alleles (0.0022%); highest among the groups gnomAD compares: Non-Finnish European, 0.0028%; no homozygotes.

Submissions (2):

PreventionGenetics, part of Exact Sciences
Classification: Likely benign for ABCA4-related condition. Last evaluated: 2026-06-23. Review status: criteria provided, single submitter. Criteria: ACMG Guidelines, 2015. Collection method: clinical testing. Allele origin: germline.
Comment: This variant is classified as likely benign based on ACMG/AMP sequence variant interpretation guidelines (Richards et al. 2015 PMID: 25741868, with internal and published modifications).

Blueprint Genetics
Classification: Likely benign. Last evaluated: 2022-06-01. Review status: criteria provided, single submitter. Criteria: ACMG Guidelines, 2015. Collection method: clinical testing. Allele origin: germline.

NM_000350.3(ABCA4):c.302+75G>T

Gene: ABCA4 (ATP binding cassette subfamily A member 4; minus strand). Cytogenetic location: 1p22.1.
Variant type: single nucleotide variant.
Coding change: c.302+75G>T on transcript NM_000350.3 (MANE Select); 75 bases into the intron after coding-DNA position 302, G replaced by T.
Molecular consequence: intron variant.
Genome position (GRCh38, 1-based): chr1:94,111,363, C>A on the plus strand (G>T on the coding strand, the complement: ABCA4 is on the minus strand). VCF-style: chr1-94111363-C-A. GRCh37 (hg19) VCF-style: chr1-94576919-C-A.
Other names: c.302+75G>T (NM_000350.2, NM_001425324.1).
Identifiers: ClinVar variation 4901216 (VCV004901216.2).